The following is an entry in ClinVar:

ClinVar aggregate classification (germline): Uncertain significance. Review status: criteria provided, multiple submitters, no conflicts (2 of 4 stars). 3 submissions from 3 submitters: Uncertain significance (3). Last evaluated 2026-05-11.

Conditions:
Inborn genetic diseases. Identifiers: MedGen C0950123, MeSH D030342.
Autoimmune lymphoproliferative syndrome type 1. Also called: AUTOIMMUNE LYMPHOPROLIFERATIVE SYNDROME, TYPE I, AUTOSOMAL DOMINANT. Identifiers: Orphanet 3261, MedGen C2717884, MONDO:0011158, OMIM 601859.

Allele frequency attached by ClinVar (database versions not stated): gnomAD exomes 0.00001 and 0.00002; ExAC 0.00002; TOPMed below 0.00001.
gnomAD v4.1: 8 of 1,613,964 alleles (0.0005%); highest among the groups gnomAD compares: Admixed American, 0.012%; no homozygotes.

Submissions (3):

Ambry Genetics
Classification: Uncertain significance for Inborn genetic diseases. Last evaluated: 2026-05-11. Review status: criteria provided, single submitter. Criteria: Ambry Variant Classification Scheme 2023. Collection method: clinical testing. Allele origin: germline.

Labcorp Genetics (formerly Invitae), Labcorp
Classification: Uncertain significance for Autoimmune lymphoproliferative syndrome. Last evaluated: 2024-11-05. Review status: criteria provided, single submitter. Criteria: Invitae Variant Classification Sherloc (09022015). Collection method: clinical testing. Allele origin: germline.
Comment: This sequence change replaces threonine, which is neutral and polar, with isoleucine, which is neutral and non-polar, at codon 138 of the FAS protein (p.Thr138Ile). This variant is present in population databases (rs760912307, gnomAD 0.01%). This variant has not been reported in the literature in individuals affected with FAS-related conditions. ClinVar contains an entry for this variant (Variation ID: 827980). Invitae Evidence Modeling of protein sequence and biophysical properties (such as structural, functional, and spatial information, amino acid conservation, physicochemical variation, residue mobility, and thermodynamic stability) has been performed for this missense variant. However, the output from this modeling did not meet the statistical confidence thresholds required to predict the impact of this variant on FAS protein function. Algorithms developed to predict the effect of sequence changes on RNA splicing suggest that this variant may disrupt the consensus splice site. In summary, the available evidence is currently insufficient to determine the role of this variant in disease. Therefore, it has been classified as a Variant of Uncertain Significance.

Center for Genomics, Ann and Robert H. Lurie Children's Hospital of Chicago
Classification: Uncertain significance for Autoimmune lymphoproliferative syndrome type 1. Last evaluated: 2021-03-30. Review status: criteria provided, single submitter. Criteria: ACMG Guidelines, 2015. Collection method: clinical testing. Allele origin: germline.
Comment: FAS NM_000043.5 exon4 p.Thr138Ile (c.413C>T): This variant has not been reported in the literature but is present in 0.01% (5/34592) of Latino alleles in the Genome Aggregation Database. Evolutionary conservation and computational predictive tools suggest that this variant may not impact the protein. In summary, data on this variant is insufficient for disease classification. Therefore, the clinical significance of this variant is uncertain.

NM_000043.6(FAS):c.413C>T (p.Thr138Ile)

Gene: FAS (Fas cell surface death receptor; plus strand). Cytogenetic location: 10q23.31.
Variant type: single nucleotide variant.
Coding change: c.413C>T on transcript NM_000043.6 (MANE Select); coding-DNA position 413, C replaced by T.
Protein change: p.Thr138Ile; replaces threonine 138 with isoleucine.
Molecular consequence: missense variant. On other transcripts: non-coding transcript variant (1).
Genome position (GRCh38, 1-based): chr10:89,008,967, C>T. VCF-style: chr10-89008967-C-T. GRCh37 (hg19) VCF-style: chr10-90768724-C-T.
Other names: c.413C>T, p.Thr138Ile (NM_001320619.2, NM_152871.4, NM_152872.4); c.413C>T (NM_000043.4); short protein forms T138I.
Identifiers: ClinVar variation 827980 (VCV000827980.5), dbSNP rs760912307, ClinGen allele CA5593102.